The following is an entry in ClinVar:

NM_015910.7(WDPCP):c.1748+18320G>C

Gene: WDPCP (WD repeat containing planar cell polarity effector; minus strand). Cytogenetic location: 2p15.
Variant type: single nucleotide variant.
Coding change: c.1748+18320G>C on transcript NM_015910.7 (MANE Select); 18320 bases into the intron after coding-DNA position 1748, G replaced by C.
Molecular consequence: intron variant. On other transcripts: missense variant (1).
Genome position (GRCh38, 1-based): chr2:63,360,066, C>G on the plus strand (G>C on the coding strand, the complement: WDPCP is on the minus strand). VCF-style: chr2-63360066-C-G. GRCh37 (hg19) VCF-style: chr2-63587201-C-G.
Other names: c.1759G>C, p.Ala587Pro (NM_001354045.2); c.1676+18320G>C (NM_001354044.2); c.1271+18320G>C (NM_001042692.3); short protein forms A587P.
Identifiers: ClinVar variation 4999234 (VCV004999234.1).

ClinVar aggregate classification (germline): Uncertain significance (1 of 4 stars; one submission).

Conditions:
WDPCP-related disorder. Also called: WDPCP-related condition.

Submission:

PreventionGenetics, part of Exact Sciences
Classification: Uncertain significance for WDPCP-related condition. Last evaluated: 2025-08-06. Review status: criteria provided, single submitter. Criteria: ACMG Guidelines, 2015. Collection method: clinical testing. Allele origin: germline.
Comment: The WDPCP c.1759G>C variant is predicted to result in the amino acid substitution p.Ala587Pro. To our knowledge, this variant has not been reported in the literature or in a large population database (gnomAD), indicating this variant is rare. At this time, the clinical significance of this variant is uncertain due to the absence of conclusive functional and genetic evidence.